The following is an entry in ClinVar:

NM_152383.5(DIS3L2):c.2011-5C>T

Gene: DIS3L2 (DIS3 like 3'-5' exoribonuclease 2; plus strand). Cytogenetic location: 2q37.1.
Variant type: single nucleotide variant.
Coding change: c.2011-5C>T on transcript NM_152383.5 (MANE Select); 5 bases into the intron before coding-DNA position 2011, C replaced by T.
Molecular consequence: intron variant.
Genome position (GRCh38, 1-based): chr2:232,333,835, C>T. VCF-style: chr2-232333835-C-T. GRCh37 (hg19) VCF-style: chr2-233198545-C-T.
Other names: c.1582-9510C>T (NM_001257281.2).
Identifiers: ClinVar variation 698093 (VCV000698093.12), dbSNP rs761378912, ClinGen allele CA2164372.

ClinVar aggregate classification (germline): Likely benign. Review status: criteria provided, single submitter (1 of 4 stars). 2 submissions from 2 submitters: Likely benign (1). 1 of the submissions does not count toward it. Last evaluated 2025-08-07.

Conditions:
Perlman syndrome (PRLMNS). Identifiers: Orphanet 2849, MedGen C0796113, MONDO:0009965, OMIM 267000.
DIS3L2-related disorder. Also called: DIS3L2-related condition.

Allele frequency attached by ClinVar (database versions not stated): gnomAD exomes 0.00001; TOPMed 0.00001; ExAC 0.00002.
gnomAD v4.1: 13 of 1,607,830 alleles (0.00081%); highest among the groups gnomAD compares: South Asian, 0.0033%; no homozygotes.

Submissions (2):

Labcorp Genetics (formerly Invitae), Labcorp
Classification: Likely benign for Perlman syndrome. Last evaluated: 2025-08-07. Review status: criteria provided, single submitter. Criteria: Invitae Variant Classification Sherloc (09022015). Collection method: clinical testing. Allele origin: germline.

PreventionGenetics, part of Exact Sciences
Classification: Likely benign for DIS3L2-related condition. Last evaluated: 2019-11-11. Review status: no assertion criteria provided. Collection method: clinical testing. Allele origin: germline. Not counted in ClinVar's aggregate classification.
Comment: This variant is classified as likely benign based on ACMG/AMP sequence variant interpretation guidelines (Richards et al. 2015 PMID: 25741868, with internal and published modifications).